The following is an entry in ClinVar:

ClinVar aggregate classification (germline): Uncertain significance. Review status: criteria provided, multiple submitters, no conflicts (2 of 4 stars). 2 submissions from 2 submitters: Uncertain significance (2). Last evaluated 2022-03-04.

Conditions:
Pheochromocytoma. Also called: MAX-Related Hereditary Paraganglioma-Pheochromocytoma Syndrome. Identifiers: Orphanet 29072, MedGen C0031511, MONDO:0008233, OMIM 171300, HP:0002666.
Cowden syndrome 3 (CWS3). Identifiers: Orphanet 201, MedGen CN166604, MONDO:0014045.
Paragangliomas with sensorineural hearing loss. Identifiers: MedGen C1868633.
Carney-Stratakis syndrome. Also called: PARAGANGLIOMA AND GASTROINTESTINAL STROMAL TUMOR. Identifiers: Orphanet 97286, MedGen C1847319, MONDO:0011740, OMIM 606864.
Hereditary cancer-predisposing syndrome. Also called: Tumor predisposition; Hereditary neoplastic syndrome; Neoplastic Syndromes, Hereditary; Hereditary Cancer Syndrome. Identifiers: Orphanet 140162, MedGen C0027672, MeSH D009386, MONDO:0015356.

Allele frequency attached by ClinVar (database versions not stated): gnomAD exomes below 0.00001 and 0.00001; ExAC 0.00002.
gnomAD v4.1: 2 of 1,614,150 alleles (0.00012%); highest among the groups gnomAD compares: Non-Finnish European, 0.00017%; no homozygotes.

Submissions (2):

Ambry Genetics
Classification: Uncertain significance for Hereditary cancer-predisposing syndrome. Last evaluated: 2022-03-04. Review status: criteria provided, single submitter. Criteria: Ambry Variant Classification Scheme 2023. Collection method: clinical testing. Allele origin: germline.
Comment: The p.H104D variant (also known as c.310C>G), located in coding exon 3 of the SDHD gene, results from a C to G substitution at nucleotide position 310. The histidine at codon 104 is replaced by aspartic acid, an amino acid with similar properties. This amino acid position is well conserved in available vertebrate species. In addition, this alteration is predicted to be deleterious by in silico analysis. Since supporting evidence is limited at this time, the clinical significance of this alteration remains unclear.

Labcorp Genetics (formerly Invitae), Labcorp
Classification: Uncertain significance for Carney-Stratakis syndrome; Paragangliomas with sensorineural hearing loss; Pheochromocytoma; Cowden syndrome 3. Last evaluated: 2021-04-09. Review status: criteria provided, single submitter. Criteria: Invitae Variant Classification Sherloc (09022015). Collection method: clinical testing. Allele origin: germline.
Comment: In summary, the available evidence is currently insufficient to determine the role of this variant in disease. Therefore, it has been classified as a Variant of Uncertain Significance. Advanced modeling of protein sequence and biophysical properties (such as structural, functional, and spatial information, amino acid conservation, physicochemical variation, residue mobility, and thermodynamic stability) performed at Invitae indicates that this missense variant is expected to disrupt SDHD protein function. This variant has not been reported in the literature in individuals with SDHD-related conditions. This variant is present in population databases (rs779863605, ExAC 0.003%). This sequence change replaces histidine with aspartic acid at codon 104 of the SDHD protein (p.His104Asp). The histidine residue is highly conserved and there is a moderate physicochemical difference between histidine and aspartic acid.

NM_003002.4(SDHD):c.310C>G (p.His104Asp)

Gene: SDHD (succinate dehydrogenase complex subunit D; plus strand). Cytogenetic location: 11q23.1.
Variant type: single nucleotide variant.
Coding change: c.310C>G on transcript NM_003002.4 (MANE Select); coding-DNA position 310, C replaced by G.
Protein change: p.His104Asp; replaces histidine 104 with aspartic acid.
Molecular consequence: missense variant. On other transcripts: non-coding transcript variant (1), intron variant (1).
Genome position (GRCh38, 1-based): chr11:112,089,007, C>G. VCF-style: chr11-112089007-C-G. GRCh37 (hg19) VCF-style: chr11-111959731-C-G.
Other names: c.193C>G, p.His65Asp (NM_001276504.2); c.310C>G, p.His104Asp (NM_001276506.2); c.169+1034C>G (NM_001276503.2); short protein forms H65D, H104D.
Identifiers: ClinVar variation 1496055 (VCV001496055.10), dbSNP rs779863605, ClinGen allele CA071054.